The following is an entry in ClinVar:

NM_004380.3(CREBBP):c.2066G>A (p.Gly689Glu)

Gene: CREBBP (CREB binding lysine acetyltransferase; minus strand). Cytogenetic location: 16p13.3.
Variant type: single nucleotide variant.
Coding change: c.2066G>A on transcript NM_004380.3 (MANE Select); coding-DNA position 2066, G replaced by A.
Protein change: p.Gly689Glu; replaces glycine 689 with glutamic acid.
Molecular consequence: missense variant.
Genome position (GRCh38, 1-based): chr16:3,778,058, C>T on the plus strand (G>A on the coding strand, the complement: CREBBP is on the minus strand). VCF-style: chr16-3778058-C-T. GRCh37 (hg19) VCF-style: chr16-3828059-C-T.
Other names: c.1952G>A, p.Gly651Glu (NM_001079846.1); short protein forms G651E, G689E.
Identifiers: ClinVar variation 3364307 (VCV003364307.2).

ClinVar aggregate classification (germline): Uncertain significance. Review status: criteria provided, multiple submitters, no conflicts (2 of 4 stars). 2 submissions from 2 submitters: Uncertain significance (2). Last evaluated 2025-11-18.

Conditions:
Rubinstein-Taybi syndrome (RSTS). Identifiers: Orphanet 783, MedGen C0035934, MONDO:0019188.

gnomAD v4.1: 1 of 1,614,210 alleles (0.000062%); no homozygotes.

Submissions (2):

Labcorp Genetics (formerly Invitae), Labcorp
Classification: Uncertain significance for Rubinstein-Taybi syndrome. Last evaluated: 2025-11-18. Review status: criteria provided, single submitter. Criteria: Invitae Variant Classification Sherloc (09022015). Collection method: clinical testing. Allele origin: germline.
Comment: This sequence change replaces glycine, which is neutral and non-polar, with glutamic acid, which is acidic and polar, at codon 689 of the CREBBP protein (p.Gly689Glu). This variant is not present in population databases (gnomAD no frequency). This variant has not been reported in the literature in individuals affected with CREBBP-related conditions. ClinVar contains an entry for this variant (Variation ID: 3364307). Invitae Evidence Modeling of protein sequence and biophysical properties (such as structural, functional, and spatial information, amino acid conservation, physicochemical variation, residue mobility, and thermodynamic stability) indicates that this missense variant is not expected to disrupt CREBBP protein function with a negative predictive value of 95%. In summary, the available evidence is currently insufficient to determine the role of this variant in disease. Therefore, it has been classified as a Variant of Uncertain Significance.

GeneDx
Classification: Uncertain significance. Last evaluated: 2023-11-13. Review status: criteria provided, single submitter. Criteria: GeneDx Variant Classification Process June 2021. Collection method: clinical testing. Allele origin: germline. Affected: yes.
Comment: Not observed at significant frequency in large population cohorts (gnomAD); In silico analysis supports that this missense variant does not alter protein structure/function; Has not been previously published as pathogenic or benign to our knowledge